The following is an entry in ClinVar:

NM_024422.6(DSC2):c.943-1G>A

Gene: DSC2 (desmocollin 2; minus strand). Cytogenetic location: 18q12.1.
Variant type: single nucleotide variant.
Coding change: c.943-1G>A on transcript NM_024422.6 (MANE Select); the canonical splice acceptor site of the intron before coding-DNA position 943, G replaced by A.
Molecular consequence: splice acceptor variant.
Genome position (GRCh38, 1-based): chr18:31,083,061, C>T on the plus strand (G>A on the coding strand, the complement: DSC2 is on the minus strand). VCF-style: chr18-31083061-C-T. GRCh37 (hg19) VCF-style: chr18-28663027-C-T.
Other names: c.943-1G>A (NM_004949.5, NM_024422.4); c.514-1G>A (NM_001406506.1, NM_001406507.1).
Identifiers: ClinVar variation 419777 (VCV000419777.51), dbSNP rs796756333, ClinGen allele CA16620673.

ClinVar aggregate classification (germline): Conflicting classifications of pathogenicity. Review status: criteria provided, conflicting classifications (1 of 4 stars). 15 submissions from 15 submitters: Pathogenic (5); Likely pathogenic (5); Uncertain significance (2). 3 of the submissions do not count toward it. Last evaluated 2026-04-29.

Conditions:
DSC2-related disorders.
Cardiovascular phenotype. Identifiers: MedGen CN230736.
Familial isolated arrhythmogenic right ventricular dysplasia. Identifiers: Orphanet 217656, MedGen C4274968, MONDO:0016342.
Cardiomyopathy (CMYO). Also called: Cardiomyopathies. Identifiers: Orphanet 167848, MedGen C0878544, MONDO:0004994, HP:0001638. Inheritance: Various modes of inheritance.
Arrhythmogenic right ventricular dysplasia 11. Also called: Arrhythmogenic right ventricular dysplasia 11 with mild palmoplantar keratoderma and woolly hair; Arrhythmogenic Right Ventricular Dysplasia/Cardiomyopathy11; ARRHYTHMOGENIC RIGHT VENTRICULAR DYSPLASIA, FAMILIAL, 11. Identifiers: MedGen C1864850, MONDO:0012506, OMIM 610476.

Allele frequency attached by ClinVar (database versions not stated): gnomAD exomes below 0.00001; gnomAD 0.00002; TOPMed 0.00002.
gnomAD v4.1: 8 of 1,610,102 alleles (0.0005%); highest among the groups gnomAD compares: African/African-American, 0.0013%; no homozygotes.

Submissions (15):

Molecular Diagnostic Laboratory for Inherited Cardiovascular Disease, Montreal Heart Institute
Classification: Likely pathogenic for Cardiovascular phenotype. Last evaluated: 2026-04-29. Review status: criteria provided, single submitter. Criteria: ACMG Guidelines, 2015. Collection method: clinical testing. Allele origin: germline. Affected: yes.
Comment: PVS1_mod, PS4_mod, PM2

GeneDx
Classification: Likely pathogenic. Last evaluated: 2026-01-22. Review status: criteria provided, single submitter. Criteria: GeneDx Variant Classification Process June 2021. Collection method: clinical testing. Allele origin: germline. Affected: yes.
Comment: Canonical splice site variant predicted to result in an in-frame loss of the adjacent exon in a gene for which loss of function is a known mechanism of disease; Not observed at significant frequency in large population cohorts (gnomAD); This variant is associated with the following publications: (PMID: 21606396, 25525159, 25616645, 30847666, 31402444, 23871674, 34135346, 33662488, 35819174, 25820315, 31386562, 39096151)

Labcorp Genetics (formerly Invitae), Labcorp
Classification: Pathogenic for Arrhythmogenic right ventricular dysplasia 11. Last evaluated: 2025-10-28. Review status: criteria provided, single submitter. Criteria: Invitae Variant Classification Sherloc (09022015). Collection method: clinical testing. Allele origin: germline.
Comment: This sequence change affects an acceptor splice site in intron 7 of the DSC2 gene. It is expected to disrupt RNA splicing. Variants that disrupt the donor or acceptor splice site typically lead to a loss of protein function (PMID: 16199547), and loss-of-function variants in DSC2 are known to be pathogenic (PMID: 23911551). This variant is not present in population databases (gnomAD no frequency). Disruption of this splice site has been observed in individuals with arrhythmogenic right ventricular cardiomyopathy (PMID: 21606396, 31386562). ClinVar contains an entry for this variant (Variation ID: 419777). Algorithms developed to predict the effect of sequence changes on RNA splicing suggest that this variant may disrupt the consensus splice site. For these reasons, this variant has been classified as Pathogenic.

Ambry Genetics
Classification: Pathogenic for Cardiovascular phenotype. Last evaluated: 2025-10-07. Review status: criteria provided, single submitter. Criteria: Ambry Variant Classification Scheme 2023. Collection method: clinical testing. Allele origin: germline.
Comment: The c.943-1G>A intronic variant results from a G to A substitution one nucleotide before coding exon 8 of the DSC2 gene. Alterations that disrupt the canonical splice site are expected to cause aberrant splicing, resulting in an abnormal protein or a transcript that is subject to nonsense-mediated mRNA decay. This variant was not reported in population-based cohorts in the Genome Aggregation Database (gnomAD). This alteration has been reported in an individual with arrhythmogenic right ventricular cardiomyopathy (ARVC) (Cox, 2011). This nucleotide position is highly conserved in available vertebrate species. In silico splice site analysis predicts that this alteration will weaken the native splice acceptor site and will result in the creation or strengthening of a novel splice acceptor site. Based on the available evidence, this alteration is classified as pathogenic.

Institute of Human Genetics, Heidelberg University
Classification: Pathogenic for Arrhythmogenic right ventricular dysplasia 11. Last evaluated: 2025-08-11. Review status: criteria provided, single submitter. Criteria: ACMG Guidelines, 2015. Collection method: clinical testing. Allele origin: paternal. Observed: 2 variant alleles.
Comment: PVS1, PS4_SUP, PM2_SUP

All of Us Research Program, National Institutes of Health
Classification: Uncertain significance for Familial isolated arrhythmogenic right ventricular dysplasia. Last evaluated: 2024-03-24. Review status: criteria provided, single submitter. Criteria: ACMG Guidelines, 2015. Collection method: clinical testing. Allele origin: germline. Inheritance: Autosomal dominant inheritance. Observed: 1 variant allele, 1 heterozygote.
Comment: This variant causes a G>A nucleotide substitution at the canonical c.-1 position of the intron 7 splice acceptor site of the DSC2 gene. Splice site prediction tools suggest that this variant may have a significant impact on RNA splicing. One of the possible molecular consequences of this variant is an in-frame skipping of exon 8, resulting in a mutant protein lacking 45 amino acids from the extracellular domain of the DSC2 protein. Alternatively, a downstream AG at c.953_954 may be utilized for splicing, resulting in a transcript missing the first 12 nucleotides (4 amino acids) from the beginning of exon 8. To our knowledge, functional RNA and protein studies have not been reported for this variant. This variant has been reported in at least one Dutch individual affected with arrhythmogenic right ventricular cardiomyopathy (PMID: 21606396, 23871674, 25820315, 30847666, 31386562) and in an asymptomatic family member of the proband (PMID: 21606396). This variant has not been identified in the general population by the Genome Aggregation Database (gnomAD). The available evidence is insufficient to determine the role of this variant in disease conclusively. Therefore, this variant is classified as a Variant of Uncertain Significance.

This study involves interpretation of variants in research participants for the purpose of population health screening. Participant phenotype was not available at the time of variant classification. Additional details can be found in publication PMID: 35346344, PMCID: PMC8962531

Color Diagnostics, LLC DBA Color Health
Classification: Uncertain significance for Cardiomyopathy. Last evaluated: 2024-03-08. Review status: criteria provided, single submitter. Criteria: ACMG Guidelines, 2015. Collection method: clinical testing. Allele origin: germline.
Comment: This variant causes a G>A nucleotide substitution at the canonical c.-1 position of the intron 7 splice acceptor site of the DSC2 gene. Splice site prediction tools suggest that this variant may have a significant impact on RNA splicing. One of the possible molecular consequences of this variant is an in-frame skipping of exon 8, resulting in a mutant protein lacking 45 amino acids from the extracellular domain of the DSC2 protein. Alternatively, a downstream AG at c.953_954 may be utilized for splicing, resulting in a transcript missing the first 12 nucleotides (4 amino acids) from the beginning of exon 8. To our knowledge, functional RNA and protein studies have not been reported for this variant. This variant has been reported in at least one Dutch individual affected with arrhythmogenic right ventricular cardiomyopathy (PMID: 21606396, 23871674, 25820315, 30847666, 31386562) and in an asymptomatic family member of the proband (PMID: 21606396). This variant has not been identified in the general population by the Genome Aggregation Database (gnomAD). The available evidence is insufficient to determine the role of this variant in disease conclusively. Therefore, this variant is classified as a Variant of Uncertain Significance.

CeGaT Center for Human Genetics Tuebingen
Classification: Likely pathogenic. Last evaluated: 2024-02-01. Review status: criteria provided, single submitter. Criteria: CeGaT Center For Human Genetics Tuebingen Variant Classification Criteria Version 2. Collection method: clinical testing. Allele origin: germline. Affected: yes. Observed: 1 variant allele.
Comment: DSC2: PM2, PS4:Moderate, PVS1:Moderate

Blueprint Genetics
Classification: Likely pathogenic for DSC2-related disorders. Last evaluated: 2022-07-18. Review status: criteria provided, single submitter. Criteria: ACMG Guidelines, 2015. Collection method: clinical testing. Allele origin: germline. Affected: yes. Observed: 1 variant allele.

AiLife Diagnostics
Classification: Likely pathogenic. Last evaluated: 2021-10-12. Review status: criteria provided, single submitter. Criteria: ACMG Guidelines, 2015. Collection method: clinical testing. Allele origin: germline. Affected: yes. Observed: 1 variant allele.

Genome Diagnostics Laboratory, University Medical Center Utrecht
Classification: Pathogenic for Arrhythmogenic right ventricular dysplasia 11. Last evaluated: 2017-02-23. Review status: criteria provided, single submitter. Criteria: ACGS Guidelines, 2013. Collection method: clinical testing. Allele origin: germline. Affected: yes. Study: VKGL Data-share Consensus.

Clinical Genetics DNA and cytogenetics Diagnostics Lab, Erasmus MC, Erasmus Medical Center
Classification: Pathogenic for Arrhythmogenic right ventricular dysplasia 11. Last evaluated: 2015-09-21. Review status: criteria provided, single submitter. Criteria: ACGS Guidelines, 2013. Collection method: clinical testing. Allele origin: germline. Affected: yes. Study: VKGL Data-share Consensus.

Clinical Genetics, Academic Medical Center
Classification: Pathogenic. Review status: no assertion criteria provided. Collection method: clinical testing. Allele origin: germline. Affected: yes. Study: VKGL Data-share Consensus. Not counted in ClinVar's aggregate classification.

Diagnostic Laboratory, Department of Genetics, University Medical Center Groningen
Classification: Likely pathogenic for Arrhythmogenic right ventricular dysplasia 11. Review status: no assertion criteria provided. Collection method: clinical testing. Allele origin: germline. Affected: yes. Study: VKGL Data-share Consensus. Not counted in ClinVar's aggregate classification.

Joint Genome Diagnostic Labs from Nijmegen and Maastricht, Radboudumc and MUMC+
Classification: Likely pathogenic. Review status: no assertion criteria provided. Collection method: clinical testing. Allele origin: germline. Affected: yes. Study: VKGL Data-share Consensus. Not counted in ClinVar's aggregate classification.

Literature cited by the submitters: PubMed 16199547 (cited by Labcorp Genetics (formerly Invitae), Labcorp); PubMed 23911551 (cited by Labcorp Genetics (formerly Invitae), Labcorp); PubMed 21606396 (cited by 5 submitters); PubMed 31386562 (cited by 4 submitters); PubMed 23871674 (cited by All of Us Research Program, National Institutes of Health and Color Diagnostics, LLC DBA Color Health); PubMed 25820315 (cited by All of Us Research Program, National Institutes of Health and Color Diagnostics, LLC DBA Color Health); PubMed 30847666 (cited by 3 submitters); PubMed 34135346 (cited by 3 submitters); PubMed 25525159 (cited by AiLife Diagnostics); PubMed 31402444 (cited by AiLife Diagnostics).